The following is an entry in ClinVar:

NM_000059.4(BRCA2):c.3636T>G (p.Asn1212Lys)

Gene: BRCA2 (BRCA2 DNA repair associated; plus strand). Cytogenetic location: 13q13.1.
Variant type: single nucleotide variant.
Coding change: c.3636T>G on transcript NM_000059.4 (MANE Select); coding-DNA position 3636, T replaced by G.
Protein change: p.Asn1212Lys; replaces asparagine 1212 with lysine.
Molecular consequence: missense variant.
Genome position (GRCh38, 1-based): chr13:32,337,991, T>G. VCF-style: chr13-32337991-T-G. GRCh37 (hg19) VCF-style: chr13-32912128-T-G.
Other names: short protein forms N1212K.
Identifiers: ClinVar variation 574544 (VCV000574544.17), dbSNP rs1555283324, ClinGen allele CA387777923.

ClinVar aggregate classification (germline): Conflicting classifications of pathogenicity. Review status: criteria provided, conflicting classifications (1 of 4 stars). 5 submissions from 5 submitters: Uncertain significance (4); Likely benign (1). Last evaluated 2024-06-04.

Conditions:
Hereditary breast ovarian cancer syndrome. Also called: BRCA1- and BRCA2-Associated Hereditary Breast and Ovarian Cancer; Hereditary breast and ovarian cancer; Hereditary breast and/or ovarian cancer syndrome; Hereditary breast and ovarian cancer syndrome; Hereditary breast and ovarian cancer syndrome (HBOC); Breast and ovarian cancer. Identifiers: Orphanet 145, MedGen C0677776, MeSH D061325, MONDO:0003582. Disease mechanism: loss of function.
Hereditary cancer-predisposing syndrome. Also called: Neoplastic Syndromes, Hereditary; Hereditary Cancer Syndrome; Tumor predisposition; Hereditary neoplastic syndrome. Identifiers: Orphanet 140162, MedGen C0027672, MeSH D009386, MONDO:0015356.

Submissions (5):

Labcorp Genetics (formerly Invitae), Labcorp
Classification: Uncertain significance for Hereditary breast ovarian cancer syndrome. Last evaluated: 2024-06-04. Review status: criteria provided, single submitter. Criteria: Invitae Variant Classification Sherloc (09022015). Collection method: clinical testing. Allele origin: germline.
Comment: This sequence change replaces asparagine, which is neutral and polar, with lysine, which is basic and polar, at codon 1212 of the BRCA2 protein (p.Asn1212Lys). This variant is not present in population databases (gnomAD no frequency). This variant has not been reported in the literature in individuals affected with BRCA2-related conditions. ClinVar contains an entry for this variant (Variation ID: 574544). Advanced modeling of protein sequence and biophysical properties (such as structural, functional, and spatial information, amino acid conservation, physicochemical variation, residue mobility, and thermodynamic stability) performed at Invitae indicates that this missense variant is not expected to disrupt BRCA2 protein function with a negative predictive value of 95%. In summary, the available evidence is currently insufficient to determine the role of this variant in disease. Therefore, it has been classified as a Variant of Uncertain Significance.

Color Diagnostics, LLC DBA Color Health
Classification: Uncertain significance for Hereditary cancer-predisposing syndrome. Last evaluated: 2023-12-05. Review status: criteria provided, single submitter. Criteria: ACMG Guidelines, 2015. Collection method: clinical testing. Allele origin: germline.
Comment: This missense variant replaces asparagine with lysine at codon 1212 of the BRCA2 protein. Computational prediction suggests that this variant may not impact protein structure and function (internally defined REVEL score threshold <= 0.5, PMID: 27666373). To our knowledge, functional studies have not been reported for this variant. This variant has not been reported in individuals affected with BRCA2-related disorders in the literature. This variant has not been identified in the general population by the Genome Aggregation Database (gnomAD). The available evidence is insufficient to determine the role of this variant in disease conclusively. Therefore, this variant is classified as a Variant of Uncertain Significance.

Ambry Genetics
Classification: Uncertain significance for Hereditary cancer-predisposing syndrome. Last evaluated: 2023-10-10. Review status: criteria provided, single submitter. Criteria: Ambry Variant Classification Scheme 2023. Collection method: clinical testing. Allele origin: germline.
Comment: The p.N1212K variant (also known as c.3636T>G), located in coding exon 10 of the BRCA2 gene, results from a T to G substitution at nucleotide position 3636. The asparagine at codon 1212 is replaced by lysine, an amino acid with similar properties. This amino acid position is not well conserved in available vertebrate species. In addition, this alteration is predicted to be tolerated by in silico analysis. Since supporting evidence is limited at this time, the clinical significance of this alteration remains unclear.

GeneDx
Classification: Uncertain significance. Last evaluated: 2023-05-22. Review status: criteria provided, single submitter. Criteria: GeneDx Variant Classification Process June 2021. Collection method: clinical testing. Allele origin: germline. Affected: yes.
Comment: Not observed at significant frequency in large population cohorts (gnomAD); In silico analysis supports that this missense variant has a deleterious effect on protein structure/function; Has not been previously published as pathogenic or benign to our knowledge

University of Washington Department of Laboratory Medicine, University of Washington
Classification: Likely benign for Hereditary cancer-predisposing syndrome. Last evaluated: 2023-03-23. Review status: criteria provided, single submitter. Criteria: Dines et al. (Genet Med. 2020). Collection method: curation. Allele origin: germline.
Comment: Missense variant in a coldspot region where missense variants are very unlikely to be pathogenic (PMID:31911673).

BRCA2 exon 11 coldspot. Reclassification based on statistical prior probability.